The following is an entry in ClinVar:

NM_000942.5(PPIB):c.626A>G (p.Lys209Arg)

Genes: PPIB (peptidylprolyl isomerase B; minus strand), SNX22 (sorting nexin 22; plus strand). Cytogenetic location: 15q22.31.
Variant type: single nucleotide variant.
Coding change: c.626A>G on transcript NM_000942.5 (MANE Select); coding-DNA position 626, A replaced by G.
Protein change: p.Lys209Arg; replaces lysine 209 with arginine.
Molecular consequence: missense variant. On other transcripts: 3 prime UTR variant (1), non-coding transcript variant (1).
Genome position (GRCh38, 1-based): chr15:64,156,048, T>C on the plus strand (A>G on the coding strand, the complement: PPIB is on the minus strand). VCF-style: chr15-64156048-T-C. GRCh37 (hg19) VCF-style: chr15-64448247-T-C.
Other names: c.*1540T>C (NM_024798.3); short protein forms K209R.
Identifiers: ClinVar variation 2921248 (VCV002921248.1), dbSNP rs756245364, ClinGen allele CA7608425.

ClinVar aggregate classification (germline): Uncertain significance (1 of 4 stars; one submission).

Allele frequency attached by ClinVar (database versions not stated): gnomAD exomes below 0.00001; ExAC 0.00001; TOPMed 0.00001.
gnomAD v4.1: 6 of 1,614,180 alleles (0.00037%); highest among the groups gnomAD compares: African/African-American, 0.0013%; no homozygotes.

Submission:

ARUP Laboratories, Molecular Genetics and Genomics, ARUP Laboratories
Classification: Uncertain significance. Last evaluated: 2023-11-03. Review status: criteria provided, single submitter. Criteria: ARUP Molecular Germline Variant Investigation Process 2024. Collection method: clinical testing. Allele origin: germline.
Comment: The PPIB c.626A>G; p.Lys209Arg variant (rs756245364), to our knowledge, is not reported in the medical literature or gene specific databases. This variant is only observed on three alleles in the Genome Aggregation Database, indicating it is not a common polymorphism. Computational analyses predict that this variant is neutral (REVEL: 0.133). However, given the lack of clinical and functional data, the significance of this variant is uncertain at this time.